The following is an entry in ClinVar:

ClinVar aggregate classification (germline): Pathogenic (1 of 4 stars; one submission).

Conditions:
Hermansky-Pudlak syndrome 3 (HPS3). Identifiers: Orphanet 231512, Orphanet 79430, MedGen C3888001, MONDO:0013555, OMIM 614072.

Submission:

Myriad Genetics, Inc.
Classification: Pathogenic for Hermansky-Pudlak syndrome 3. Last evaluated: 2024-05-14. Review status: criteria provided, single submitter. Criteria: Myriad Autosomal Dominant, Autosomal Recessive and X-Linked Classification Criteria (2023). Collection method: clinical testing. Allele origin: unknown.
Comment: NM_032383.3(HPS3):c.727_728ins16(I243Nfs*10) is expected to be pathogenic in the context of Hermansky-Pudlak syndrome, HPS3-related. This variant is predicted to lead to an abnormal or absent protein product due to the creation of a premature termination codon in HPS3, a gene where loss-of-function variants are known to be pathogenic. Please note: this variant was assessed in the context of healthy population screening.

NM_032383.5(HPS3):c.727_728insACTGTCTCTTATACAC (p.Ile243fs)

Gene: HPS3 (HPS3 biogenesis of lysosomal organelles complex 2 subunit 1; plus strand). Cytogenetic location: 3q24.
Variant type: Insertion.
Coding change: c.727_728insACTGTCTCTTATACAC on transcript NM_032383.5 (MANE Select); coding-DNA positions 727 to 728, ACTGTCTCTTATACAC inserted.
Protein change: p.Ile243fs; shifts the reading frame from isoleucine 243.
Molecular consequence: frameshift variant.
Genome position: GRCh38 VCF-style: chr3-149141031-A-AACTGTCTCTTATACAC. GRCh37 (hg19) VCF-style: chr3-148858818-A-AACTGTCTCTTATACAC.
Other names: c.232_233insACTGTCTCTTATACAC, p.Ile78fs (NM_001308258.2); short protein forms I243fs, I78fs.
Identifiers: ClinVar variation 5010875 (VCV005010875.1).
Genomic context (GRCh38, chr3:149,141,031, plus strand): 5'-ATCTAATTTTCATTCAAGCAGGACTGTTACATTTTATTTTTTTAAGGCATCAGTAATGAA[A>AACTGTCTCTTATACAC]TTTCACAGCTTGAGTCAGATGATTTTGTCATCTGCCAGAAGCCCCTGGAACTTCTTGGTG-3'